The following is an entry in ClinVar:

NM_001567.4(INPPL1):c.3244G>A (p.Gly1082Arg)

Gene: INPPL1 (inositol polyphosphate phosphatase like 1; plus strand). Cytogenetic location: 11q13.4.
Variant type: single nucleotide variant.
Coding change: c.3244G>A on transcript NM_001567.4 (MANE Select); coding-DNA position 3244, G replaced by A.
Protein change: p.Gly1082Arg; replaces glycine 1082 with arginine.
Molecular consequence: missense variant.
Genome position (GRCh38, 1-based): chr11:72,237,488, G>A. VCF-style: chr11-72237488-G-A. GRCh37 (hg19) VCF-style: chr11-71948532-G-A.
Other names: short protein forms G1082R.
Identifiers: ClinVar variation 1308338 (VCV001308338.9), dbSNP rs377723450, ClinGen allele CA6170592.

ClinVar aggregate classification (germline): Uncertain significance. Review status: criteria provided, multiple submitters, no conflicts (2 of 4 stars). 4 submissions from 4 submitters: Uncertain significance (4). Last evaluated 2024-04-15.

Conditions:
Opsismodysplasia (OPSMD). Also called: INPPL1-Related Opsismodysplasia. Identifiers: Orphanet 2746, MedGen C0432219, MONDO:0009785, OMIM 258480.

Allele frequency attached by ClinVar (database versions not stated): ExAC 0.00004; gnomAD exomes 0.00004 and 0.00008; TOPMed 0.00011; ESP Exome Variant Server 0.00023.
gnomAD v4.1: 125 of 1,609,718 alleles (0.0078%); highest among the groups gnomAD compares: Non-Finnish European, 0.0096%; no homozygotes.

Submissions (4):

Blueprint Genetics
Classification: Uncertain significance. Last evaluated: 2024-04-15. Review status: criteria provided, single submitter. Criteria: ACMG Guidelines, 2015. Collection method: clinical testing. Allele origin: germline.

ARUP Laboratories, Molecular Genetics and Genomics, ARUP Laboratories
Classification: Uncertain significance for Opsismodysplasia. Last evaluated: 2022-09-16. Review status: criteria provided, single submitter. Criteria: ARUP Molecular Germline Variant Investigation Process 2021. Collection method: clinical testing. Allele origin: germline.
Comment: The INPPL1 c.3244G>A; p.Gly1082Arg variant (rs377723450), to our knowledge, is not reported in the medical literature but is reported in ClinVar (Variation ID: 1308338). This variant is found in the general population with an overall allele frequency of 0.005% (13/277194 alleles) in the Genome Aggregation Database. The glycine at codon 1082 is weakly conserved, and computational analyses are uncertain whether this variant is neutral or deleterious (REVEL: 0.329). Due to limited information, the clinical significance of this variant is uncertain at this time.

Labcorp Genetics (formerly Invitae), Labcorp
Classification: Uncertain significance. Last evaluated: 2021-09-01. Review status: criteria provided, single submitter. Criteria: Invitae Variant Classification Sherloc (09022015). Collection method: clinical testing. Allele origin: germline.
Comment: This sequence change replaces glycine with arginine at codon 1082 of the INPPL1 protein (p.Gly1082Arg). The glycine residue is moderately conserved and there is a moderate physicochemical difference between glycine and arginine. This variant is present in population databases (rs377723450, ExAC 0.008%). This variant has not been reported in the literature in individuals affected with INPPL1-related conditions. Algorithms developed to predict the effect of missense changes on protein structure and function are either unavailable or do not agree on the potential impact of this missense change (SIFT: "Tolerated"; PolyPhen-2: "Probably Damaging"; Align-GVGD: "Class C0"). Algorithms developed to predict the effect of sequence changes on RNA splicing suggest that this variant may create or strengthen a splice site. In summary, the available evidence is currently insufficient to determine the role of this variant in disease. Therefore, it has been classified as a Variant of Uncertain Significance.

GeneDx
Classification: Uncertain significance. Last evaluated: 2019-04-01. Review status: criteria provided, single submitter. Criteria: GeneDx Variant Classification Process June 2021. Collection method: clinical testing. Allele origin: germline. Affected: yes.
Comment: Has not been previously published as pathogenic or benign to our knowledge; In silico analysis, which includes protein predictors and evolutionary conservation, supports a deleterious effect; In addition, in silico splice predictors suggest this variant may lead to abnormal gene splicing. In the absence of RNA/functional studies, the actual effect of this sequence change is unknown.